The following is an entry in ClinVar:

ClinVar aggregate classification (germline): Uncertain significance. Review status: criteria provided, multiple submitters, no conflicts (2 of 4 stars). 2 submissions from 2 submitters: Uncertain significance (2). Last evaluated 2024-02-28.

Conditions:
Inborn genetic diseases. Identifiers: MedGen C0950123, MeSH D030342.
Kabuki syndrome. Also called: Kabuki make-up syndrome; NIIKAWA-KUROKI SYNDROME. Identifiers: Orphanet 2322, MedGen C0796004, MONDO:0016512.

Submissions (2):

Ambry Genetics
Classification: Uncertain significance for Inborn genetic diseases. Last evaluated: 2024-02-28. Review status: criteria provided, single submitter. Criteria: Ambry Variant Classification Scheme 2023. Collection method: clinical testing. Allele origin: germline.

Labcorp Genetics (formerly Invitae), Labcorp
Classification: Uncertain significance for Kabuki syndrome. Last evaluated: 2022-08-16. Review status: criteria provided, single submitter. Criteria: Invitae Variant Classification Sherloc (09022015). Collection method: clinical testing. Allele origin: germline.
Comment: This sequence change replaces threonine, which is neutral and polar, with asparagine, which is neutral and polar, at codon 366 of the KMT2D protein (p.Thr366Asn). This variant is not present in population databases (gnomAD no frequency). In summary, the available evidence is currently insufficient to determine the role of this variant in disease. Therefore, it has been classified as a Variant of Uncertain Significance. Advanced modeling of protein sequence and biophysical properties (such as structural, functional, and spatial information, amino acid conservation, physicochemical variation, residue mobility, and thermodynamic stability) performed at Invitae indicates that this missense variant is not expected to disrupt KMT2D protein function. This variant has not been reported in the literature in individuals affected with KMT2D-related conditions.

NM_003482.4(KMT2D):c.1097C>A (p.Thr366Asn)

Gene: KMT2D (lysine methyltransferase 2D; minus strand). Cytogenetic location: 12q13.12.
Variant type: single nucleotide variant.
Coding change: c.1097C>A on transcript NM_003482.4 (MANE Select); coding-DNA position 1097, C replaced by A.
Protein change: p.Thr366Asn; replaces threonine 366 with asparagine.
Molecular consequence: missense variant.
Genome position (GRCh38, 1-based): chr12:49,052,930, G>T on the plus strand (C>A on the coding strand, the complement: KMT2D is on the minus strand). VCF-style: chr12-49052930-G-T. GRCh37 (hg19) VCF-style: chr12-49446713-G-T.
Other names: short protein forms T366N.
Identifiers: ClinVar variation 1919221 (VCV001919221.6), dbSNP rs2120691736, ClinGen allele CA384677665.
Genomic context (GRCh38, chr12:49,052,930, plus strand): 5'-TCTTCCAACCTGCCAGCCCAATCTCAGTCAGTCCCCACCACTTACCTGCTACACACCGGG[G>T]TATGCTGCTCAGCAACGGAGCGGATAGTCTGACCTCCCTGGGCTTTGTGACAGCGGTGAC-3'
Protein context (NP_003473.3, residues 356-376): QTIRSVAEQH[Thr366Asn]PVCSRFSPPE